The following is an entry in ClinVar:

NM_001099403.2(PRDM8):c.865A>G (p.Ser289Gly)

Gene: PRDM8 (PR/SET domain 8; plus strand). Cytogenetic location: 4q21.21.
Variant type: single nucleotide variant.
Coding change: c.865A>G on transcript NM_001099403.2 (MANE Select); coding-DNA position 865, A replaced by G.
Protein change: p.Ser289Gly; replaces serine 289 with glycine.
Molecular consequence: missense variant.
Genome position (GRCh38, 1-based): chr4:80,202,327, A>G. VCF-style: chr4-80202327-A-G. GRCh37 (hg19) VCF-style: chr4-81123481-A-G.
Other names: c.865A>G, p.Ser289Gly (NM_020226.4); short protein forms S289G.
Identifiers: ClinVar variation 657361 (VCV000657361.7), dbSNP rs1443007613, ClinGen allele CA2982344.
Genomic context (GRCh38, chr4:80,202,327, plus strand): 5'-GAAAACTCCCGGGGAGGCAGCAGCTGCTCCCCAGCCCAGAGCCTCAGCAGCGGTAGCGGC[A>G]GCGGCGGCGGCGGCGGCCACCAGGAGGCGGAGCTGAGTCCCGACGGCATCGCCACGGGCG-3'
Protein context (NP_001092873.1, residues 279-299): PAQSLSSGSG[Ser289Gly]GGGGGHQEAE

ClinVar aggregate classification (germline): Uncertain significance (1 of 4 stars; one submission).

Conditions:
Early-onset Lafora body disease. Also called: Epilepsy, progressive myoclonic, 10. Identifiers: Orphanet 324290, MedGen C4225258, MONDO:0014717, OMIM 616640.

Allele frequency attached by ClinVar (database versions not stated): gnomAD exomes 0.00002 and 0.00005; gnomAD 0.00006; ExAC 0.00008.
gnomAD v4.1: 34 of 1,584,734 alleles (0.0021%); highest among the groups gnomAD compares: East Asian, 0.05%; no homozygotes.

Submission:

Labcorp Genetics (formerly Invitae), Labcorp
Classification: Uncertain significance for Early-onset Lafora body disease. Last evaluated: 2025-10-06. Review status: criteria provided, single submitter. Criteria: Invitae Variant Classification Sherloc (09022015). Collection method: clinical testing. Allele origin: germline.
Comment: This sequence change replaces serine, which is neutral and polar, with glycine, which is neutral and non-polar, at codon 289 of the PRDM8 protein (p.Ser289Gly). This variant is present in population databases (no rsID available, gnomAD 0.05%). This variant has not been reported in the literature in individuals affected with PRDM8-related conditions. ClinVar contains an entry for this variant (Variation ID: 657361). An algorithm developed to predict the effect of missense changes on protein structure and function (PolyPhen-2) suggests that this variant is likely to be tolerated. In summary, the available evidence is currently insufficient to determine the role of this variant in disease. Therefore, it has been classified as a Variant of Uncertain Significance.